The following is an entry in ClinVar:

ClinVar aggregate classification (germline): Uncertain significance (1 of 4 stars; one submission).

Conditions:
Hereditary cancer-predisposing syndrome. Also called: Neoplastic Syndromes, Hereditary; Tumor predisposition; Hereditary neoplastic syndrome; Hereditary Cancer Syndrome. Identifiers: Orphanet 140162, MedGen C0027672, MeSH D009386, MONDO:0015356.

Submission:

Ambry Genetics
Classification: Uncertain significance for Hereditary cancer-predisposing syndrome. Last evaluated: 2024-04-03. Review status: criteria provided, single submitter. Criteria: Ambry Variant Classification Scheme 2023. Collection method: clinical testing. Allele origin: germline.
Comment: The p.K1349R variant (also known as c.4046A>G), located in coding exon 28 of the SMARCA4 gene, results from an A to G substitution at nucleotide position 4046. The lysine at codon 1349 is replaced by arginine, an amino acid with highly similar properties. This amino acid position is highly conserved in available vertebrate species. In addition, the in silico prediction for this alteration is inconclusive. Based on the available evidence, the clinical significance of this alteration remains unclear.

NM_003072.5(SMARCA4):c.4046A>G (p.Lys1349Arg)

Gene: SMARCA4 (SWI/SNF related BAF chromatin remodeling complex subunit ATPase 4; plus strand). Cytogenetic location: 19p13.2.
Variant type: single nucleotide variant.
Coding change: c.4046A>G on transcript NM_003072.5 (MANE Select); coding-DNA position 4046, A replaced by G.
Protein change: p.Lys1349Arg; replaces lysine 1349 with arginine.
Molecular consequence: missense variant. On other transcripts: non-coding transcript variant (1).
Genome position (GRCh38, 1-based): chr19:11,035,008, A>G. VCF-style: chr19-11035008-A-G. GRCh37 (hg19) VCF-style: chr19-11145684-A-G.
Other names: c.4046A>G, p.Lys1349Arg (NM_001128844.3, NM_001128849.3, NM_001387283.1); c.3947A>G, p.Lys1316Arg (NM_001128845.2, NM_001128846.2, NM_001128847.4 and 3 more transcripts); short protein forms K1316R, K1349R.
Identifiers: ClinVar variation 3320697 (VCV003320697.1).